The following is an entry in ClinVar:

NM_020442.6(VARS2):c.2328C>T (p.Ser776=)

Genes: VARS2 (valyl-tRNA synthetase 2, mitochondrial; plus strand), LOC126859646 (MED14-independent group 3 enhancer GRCh37_chr6:30889690-30890889; plus strand). Cytogenetic location: 6p21.33.
Variant type: single nucleotide variant.
Coding change: c.2328C>T on transcript NM_020442.6 (MANE Select); coding-DNA position 2328, C replaced by T.
Protein change: p.Ser776=; no amino-acid change (serine 776 retained).
Molecular consequence: synonymous variant.
Genome position (GRCh38, 1-based): chr6:30,923,367, C>T. VCF-style: chr6-30923367-C-T. GRCh37 (hg19) VCF-style: chr6-30891144-C-T.
Other names: c.1908C>T, p.Ser636= (NM_001167733.3); c.2418C>T, p.Ser806= (NM_001167734.2).
Identifiers: ClinVar variation 380176 (VCV000380176.12), dbSNP rs140375910, ClinGen allele CA3706246.

ClinVar aggregate classification (germline): Benign. Review status: criteria provided, multiple submitters, no conflicts (2 of 4 stars). 3 submissions from 3 submitters: Benign (2). 1 of the submissions does not count toward it. Last evaluated 2026-01-08.

Allele frequency attached by ClinVar (database versions not stated): gnomAD 0.00072 and 0.00249; ESP Exome Variant Server 0.00095; TOPMed 0.00101; gnomAD exomes 0.00491 and 0.00968; 1000 Genomes Project 0.00919; 1000 Genomes Project 30x 0.00937; ExAC 0.01065.
gnomAD v4.1: 7,413 of 1,610,836 alleles (0.46%); highest among the groups gnomAD compares: South Asian, 6.8%; 363 homozygotes.

Submissions (3):

Labcorp Genetics (formerly Invitae), Labcorp
Classification: Benign. Last evaluated: 2026-01-08. Review status: criteria provided, single submitter. Criteria: Invitae Variant Classification Sherloc (09022015). Collection method: clinical testing. Allele origin: germline.

GeneDx
Classification: Benign. Last evaluated: 2016-11-28. Review status: criteria provided, single submitter. Criteria: GeneDx Variant Classification (06012015). Collection method: clinical testing. Allele origin: germline. Affected: yes.
Comment: This variant is considered likely benign or benign based on one or more of the following criteria: it is a conservative change, it occurs at a poorly conserved position in the protein, it is predicted to be benign by multiple in silico algorithms, and/or has population frequency not consistent with disease.

Mayo Clinic Laboratories, Mayo Clinic
Classification: Benign. Last evaluated: 2016-02-25. Review status: no assertion criteria provided. Collection method: clinical testing. Allele origin: unknown. Not counted in ClinVar's aggregate classification.